The following is an entry in ClinVar:

NM_001199138.2(NLRC4):c.2302C>T (p.Leu768Phe)

Gene: NLRC4 (NLR family CARD domain containing 4; minus strand). Cytogenetic location: 2p22.3.
Variant type: single nucleotide variant.
Coding change: c.2302C>T on transcript NM_001199138.2 (MANE Select); coding-DNA position 2302, C replaced by T.
Protein change: p.Leu768Phe; replaces leucine 768 with phenylalanine.
Molecular consequence: missense variant.
Genome position (GRCh38, 1-based): chr2:32,241,081, G>A on the plus strand (C>T on the coding strand, the complement: NLRC4 is on the minus strand). VCF-style: chr2-32241081-G-A. GRCh37 (hg19) VCF-style: chr2-32466150-G-A.
Other names: c.2302C>T, p.Leu768Phe (NM_001199139.2, NM_021209.5); c.307C>T, p.Leu103Phe (NM_001302504.2); short protein forms L103F, L768F.
Identifiers: ClinVar variation 2928662 (VCV002928662.3), dbSNP rs1686788749, ClinGen allele CA346510124.

ClinVar aggregate classification (germline): Uncertain significance (1 of 4 stars; one submission).

Conditions:
Periodic fever-infantile enterocolitis-autoinflammatory syndrome. Also called: Autoinflammation with infantile enterocolitis. Identifiers: Orphanet 436166, MedGen C4015067, MONDO:0014472, OMIM 616050.
Familial cold autoinflammatory syndrome 4 (FCAS4). Identifiers: Orphanet 47045, Orphanet 576349, MedGen C4015276, MONDO:0014498, OMIM 616115.

Allele frequency attached by ClinVar (database versions not stated): TOPMed 0.00001.

Submission:

Labcorp Genetics (formerly Invitae), Labcorp
Classification: Uncertain significance for Periodic fever-infantile enterocolitis-autoinflammatory syndrome; Familial cold autoinflammatory syndrome 4. Last evaluated: 2025-12-23. Review status: criteria provided, single submitter. Criteria: Invitae Variant Classification Sherloc (09022015). Collection method: clinical testing. Allele origin: germline.
Comment: This sequence change replaces leucine, which is neutral and non-polar, with phenylalanine, which is neutral and non-polar, at codon 768 of the NLRC4 protein (p.Leu768Phe). This variant is not present in population databases (gnomAD no frequency). This variant has not been reported in the literature in individuals affected with NLRC4-related conditions. ClinVar contains an entry for this variant (Variation ID: 2928662). Invitae Evidence Modeling of protein sequence and biophysical properties (such as structural, functional, and spatial information, amino acid conservation, physicochemical variation, residue mobility, and thermodynamic stability) has been performed for this missense variant. However, the output from this modeling did not meet the statistical confidence thresholds required to predict the impact of this variant on NLRC4 protein function. In summary, the available evidence is currently insufficient to determine the role of this variant in disease. Therefore, it has been classified as a Variant of Uncertain Significance.